The following is an entry in ClinVar:

ClinVar aggregate classification (germline): Conflicting classifications of pathogenicity. Review status: criteria provided, conflicting classifications (1 of 4 stars). 3 submissions from 3 submitters: Likely pathogenic (1); Uncertain significance (1). 1 of the submissions does not count toward it. Last evaluated 2022-11-29.

Conditions:
Congenital muscular dystrophy due to LMNA mutation. Also called: Congenital muscular dystrophy, LMNA-related; Lamin A-related Congenital Muscular Dystrophy. Identifiers: Orphanet 157973, MedGen C2750785, MONDO:0013178, OMIM 613205.
Charcot-Marie-Tooth disease type 2. Also called: Charcot-Marie-Tooth type 2. Identifiers: Orphanet 64746, MedGen C0270914, MONDO:0018993.

Submissions (3):

Labcorp Genetics (formerly Invitae), Labcorp
Classification: Likely pathogenic for Charcot-Marie-Tooth disease type 2. Last evaluated: 2022-11-29. Review status: criteria provided, single submitter. Criteria: Invitae Variant Classification Sherloc (09022015). Collection method: clinical testing. Allele origin: germline.
Comment: This sequence change replaces leucine, which is neutral and non-polar, with phenylalanine, which is neutral and non-polar, at codon 38 of the LMNA protein (p.Leu38Phe). This variant is not present in population databases (gnomAD no frequency). This variant has not been reported in the literature in individuals affected with LMNA-related conditions. ClinVar contains an entry for this variant (Variation ID: 1301822). Advanced modeling of protein sequence and biophysical properties (such as structural, functional, and spatial information, amino acid conservation, physicochemical variation, residue mobility, and thermodynamic stability) performed at Invitae indicates that this missense variant is expected to disrupt LMNA protein function. This variant disrupts the p.Leu38 amino acid residue in LMNA. Other variant(s) that disrupt this residue have been determined to be pathogenic (Invitae). This suggests that this residue is clinically significant, and that variants that disrupt this residue are likely to be disease-causing. In summary, the currently available evidence indicates that the variant is pathogenic, but additional data are needed to prove that conclusively. Therefore, this variant has been classified as Likely Pathogenic.

Dubai Health Genomic Medicine Center, Dubai Health
Classification: Uncertain significance. Last evaluated: 2020-03-25. Review status: criteria provided, single submitter. Criteria: ACMG Guidelines, 2015. Collection method: clinical testing. Allele origin: germline. Affected: yes.
Comment: The p.Leu38Phe missense variant in LMNA has not been previously reported in individuals with disease and is absent from large population studies such as the Genome Aggregation Database (gnomAD) and Greater Middle East (GME) Variome Database. Computational prediction tools and conservation analyses suggest an impact to protein function though this information is not predictive enough to confirm pathogenicity. A different amino acid change (p.Leu38His) at this codon has been reported in ClinVar (SCV000807473.1) as a variant of uncertain significance. In summary additional information is needed to fully assess the clinical significance of the p.Leu38Phe variant.

School of Medicine, Universitat de Girona
Classification: Uncertain significance for Congenital muscular dystrophy due to LMNA mutation. Review status: no assertion criteria provided. Collection method: research. Allele origin: inherited. Affected: yes. Not counted in ClinVar's aggregate classification.

NM_170707.4(LMNA):c.112C>T (p.Leu38Phe)

Gene: LMNA (lamin A/C; plus strand). Cytogenetic location: 1q22.
Variant type: single nucleotide variant.
Coding change: c.112C>T on transcript NM_170707.4 (MANE Select); coding-DNA position 112, C replaced by T.
Protein change: p.Leu38Phe; replaces leucine 38 with phenylalanine.
Molecular consequence: missense variant.
Genome position (GRCh38, 1-based): chr1:156,115,030, C>T. VCF-style: chr1-156115030-C-T. GRCh37 (hg19) VCF-style: chr1-156084821-C-T.
Other names: c.112C>T, p.Leu38Phe (NM_001282625.2, NM_001282626.2, NM_005572.4 and 1 more transcripts); short protein forms L38F.
Identifiers: ClinVar variation 1301822 (VCV001301822.10), dbSNP rs2102817550, ClinGen allele CA342807643.
Genomic context (GRCh38, chr1:156,115,030, plus strand): 5'-TCCACTCCGCTGTCGCCCACCCGCATCACCCGGCTGCAGGAGAAGGAGGACCTGCAGGAG[C>T]TCAATGATCGCTTGGCGGTCTACATCGACCGTGTGCGCTCGCTGGAAACGGAGAACGCAG-3'
Protein context (NP_733821.1, residues 28-48): RLQEKEDLQE[Leu38Phe]NDRLAVYIDR